The following is an entry in ClinVar:

NM_001365951.3(KIF1B):c.2516A>G (p.Tyr839Cys)

Gene: KIF1B (kinesin family member 1B; plus strand). Cytogenetic location: 1p36.22.
Variant type: single nucleotide variant.
Coding change: c.2516A>G on transcript NM_001365951.3 (MANE Select); coding-DNA position 2516, A replaced by G.
Protein change: p.Tyr839Cys; replaces tyrosine 839 with cysteine.
Molecular consequence: missense variant.
Genome position (GRCh38, 1-based): chr1:10,324,041, A>G. VCF-style: chr1-10324041-A-G. GRCh37 (hg19) VCF-style: chr1-10384099-A-G.
Other names: c.2516A>G, p.Tyr839Cys (NM_001365952.1); c.2378A>G, p.Tyr793Cys (NM_015074.3); short protein forms Y839C, Y793C.
Identifiers: ClinVar variation 875118 (VCV000875118.15), dbSNP rs778288202, ClinGen allele CA581537.

ClinVar aggregate classification (germline): Uncertain significance. Review status: criteria provided, multiple submitters, no conflicts (2 of 4 stars). 4 submissions from 4 submitters: Uncertain significance (4). Last evaluated 2025-06-25.

Conditions:
Neuroblastoma, susceptibility to, 1. Identifiers: MedGen C2749485, MONDO:0009741, OMIM 256700.
Charcot-Marie-Tooth disease type 2A1. Also called: CHARCOT-MARIE-TOOTH NEUROPATHY, TYPE 2A1; HEREDITARY MOTOR AND SENSORY NEUROPATHY IIA1; CHARCOT-MARIE-TOOTH DISEASE, AXONAL, TYPE 2A1; CHARCOT-MARIE-TOOTH DISEASE, AXONAL, AUTOSOMAL DOMINANT, TYPE 2A1; CHARCOT-MARIE-TOOTH DISEASE, NEURONAL, TYPE 2A1. Identifiers: Orphanet 99946, MedGen C1861678, MONDO:0007308, OMIM 118210.
Charcot-Marie-Tooth disease type 2. Also called: Charcot-Marie-Tooth type 2. Identifiers: Orphanet 64746, MedGen C0270914, MONDO:0018993.
Neuroblastoma (NB). Identifiers: Orphanet 635, MedGen C0027819, MeSH D009447, MONDO:0005072, HP:0003006.

Allele frequency attached by ClinVar (database versions not stated): gnomAD exomes 0.00002 and 0.00003; ExAC 0.00001; TOPMed 0.00004; gnomAD 0.00003.

Submissions (4):

Labcorp Genetics (formerly Invitae), Labcorp
Classification: Uncertain significance for Charcot-Marie-Tooth disease type 2. Last evaluated: 2025-06-25. Review status: criteria provided, single submitter. Criteria: Invitae Variant Classification Sherloc (09022015). Collection method: clinical testing. Allele origin: germline.
Comment: This sequence change replaces tyrosine, which is neutral and polar, with cysteine, which is neutral and slightly polar, at codon 793 of the KIF1B protein (p.Tyr793Cys). This variant is present in population databases (rs778288202, gnomAD 0.009%). This variant has not been reported in the literature in individuals affected with KIF1B-related conditions. ClinVar contains an entry for this variant (Variation ID: 875118). Invitae Evidence Modeling of protein sequence and biophysical properties (such as structural, functional, and spatial information, amino acid conservation, physicochemical variation, residue mobility, and thermodynamic stability) indicates that this missense variant is not expected to disrupt KIF1B protein function with a negative predictive value of 80%. In summary, the available evidence is currently insufficient to determine the role of this variant in disease. Therefore, it has been classified as a Variant of Uncertain Significance.

Fulgent Genetics
Classification: Uncertain significance for Charcot-Marie-Tooth disease type 2A1; Neuroblastoma, susceptibility to, 1. Last evaluated: 2024-02-09. Review status: criteria provided, single submitter. Criteria: ACMG Guidelines, 2015. Collection method: clinical testing. Allele origin: germline.

Ambry Genetics
Classification: Uncertain significance. Last evaluated: 2023-06-13. Review status: criteria provided, single submitter. Criteria: Ambry Variant Classification Scheme 2023. Collection method: clinical testing. Allele origin: germline.
Comment: The p.Y793C variant (also known as c.2378A>G), located in coding exon 22 of the KIF1B gene, results from an A to G substitution at nucleotide position 2378. The tyrosine at codon 793 is replaced by cysteine, an amino acid with highly dissimilar properties. This amino acid position is highly conserved in available vertebrate species. In addition, this alteration is predicted to be deleterious by in silico analysis. The evidence for this gene-disease relationship is limited; therefore, the clinical significance of this alteration is unclear.

Illumina Laboratory Services, Illumina
Classification: Uncertain significance for Neuroblastoma. Last evaluated: 2018-01-13. Review status: criteria provided, single submitter. Criteria: ICSL Variant Classification Criteria 13 December 2019. Collection method: clinical testing. Allele origin: germline.